The following is an entry in ClinVar:

NM_001003800.2(BICD2):c.1110G>C (p.Gln370His)

Gene: BICD2 (BICD cargo adaptor 2; minus strand). Cytogenetic location: 9q22.31.
Variant type: single nucleotide variant.
Coding change: c.1110G>C on transcript NM_001003800.2 (MANE Select); coding-DNA position 1110, G replaced by C.
Protein change: p.Gln370His; replaces glutamine 370 with histidine.
Molecular consequence: missense variant.
Genome position (GRCh38, 1-based): chr9:92,719,535, C>G on the plus strand (G>C on the coding strand, the complement: BICD2 is on the minus strand). VCF-style: chr9-92719535-C-G. GRCh37 (hg19) VCF-style: chr9-95481817-C-G.
Other names: c.1110G>C, p.Gln370His (NM_015250.4); short protein forms Q370H.
Identifiers: ClinVar variation 2737605 (VCV002737605.3), dbSNP rs1198974973, ClinGen allele CA374040687.

ClinVar aggregate classification (germline): Uncertain significance (1 of 4 stars; one submission).

Conditions:
Autosomal dominant childhood-onset proximal spinal muscular atrophy with contractures (SMALED2A). Also called: Spinal muscular atrophy, lower extremity-predominant, 2A, autosomal dominant; SPINAL MUSCULAR ATROPHY, LOWER EXTREMITY-PREDOMINANT, 2A, CHILDHOOD ONSET, AUTOSOMAL DOMINANT. Identifiers: Orphanet 363447, Orphanet 363454, MedGen C4747715, MONDO:0014121, OMIM 615290.

Allele frequency attached by ClinVar (database versions not stated): gnomAD exomes below 0.00001; TOPMed below 0.00001; gnomAD 0.00001.

Submission:

Labcorp Genetics (formerly Invitae), Labcorp
Classification: Uncertain significance for Autosomal dominant childhood-onset proximal spinal muscular atrophy with contractures. Last evaluated: 2023-10-28. Review status: criteria provided, single submitter. Criteria: Invitae Variant Classification Sherloc (09022015). Collection method: clinical testing. Allele origin: germline.
Comment: This sequence change replaces glutamine, which is neutral and polar, with histidine, which is basic and polar, at codon 370 of the BICD2 protein (p.Gln370His). This variant is present in population databases (no rsID available, gnomAD 0.002%). This variant has not been reported in the literature in individuals affected with BICD2-related conditions. Advanced modeling of protein sequence and biophysical properties (such as structural, functional, and spatial information, amino acid conservation, physicochemical variation, residue mobility, and thermodynamic stability) performed at Invitae indicates that this missense variant is expected to disrupt BICD2 protein function with a positive predictive value of 80%. In summary, the available evidence is currently insufficient to determine the role of this variant in disease. Therefore, it has been classified as a Variant of Uncertain Significance.